The following is an entry in ClinVar:

ClinVar aggregate classification (germline): Uncertain significance. Review status: criteria provided, multiple submitters, no conflicts (2 of 4 stars). 2 submissions from 2 submitters: Uncertain significance (2). Last evaluated 2025-06-09.

Conditions:
Inborn genetic diseases. Identifiers: MedGen C0950123, MeSH D030342.
Baller-Gerold syndrome (BGS). Also called: CRANIOSYNOSTOSIS WITH RADIAL DEFECTS. Identifiers: Orphanet 1225, MedGen C0265308, MONDO:0009039, OMIM 218600.

Allele frequency attached by ClinVar (database versions not stated): TOPMed below 0.00001; gnomAD 0.00001.

Submissions (2):

Labcorp Genetics (formerly Invitae), Labcorp
Classification: Uncertain significance for Baller-Gerold syndrome. Last evaluated: 2025-06-09. Review status: criteria provided, single submitter. Criteria: Invitae Variant Classification Sherloc (09022015). Collection method: clinical testing. Allele origin: germline.
Comment: This sequence change replaces asparagine, which is neutral and polar, with histidine, which is basic and polar, at codon 112 of the RECQL4 protein (p.Asn112His). This variant is not present in population databases (gnomAD no frequency). This variant has not been reported in the literature in individuals affected with RECQL4-related conditions. ClinVar contains an entry for this variant (Variation ID: 963600). Invitae Evidence Modeling of protein sequence and biophysical properties (such as structural, functional, and spatial information, amino acid conservation, physicochemical variation, residue mobility, and thermodynamic stability) indicates that this missense variant is expected to disrupt RECQL4 protein function with a positive predictive value of 80%. In summary, the available evidence is currently insufficient to determine the role of this variant in disease. Therefore, it has been classified as a Variant of Uncertain Significance.

Ambry Genetics
Classification: Uncertain significance for Inborn genetic diseases. Last evaluated: 2025-04-05. Review status: criteria provided, single submitter. Criteria: Ambry Variant Classification Scheme 2023. Collection method: clinical testing. Allele origin: germline.
Comment: The p.N112H variant (also known as c.334A>C), located in coding exon 4 of the RECQL4 gene, results from an A to C substitution at nucleotide position 334. The asparagine at codon 112 is replaced by histidine, an amino acid with similar properties. This amino acid position is conserved. In addition, this alteration is predicted to be tolerated by in silico analysis. Based on the available evidence, the clinical significance of this variant remains unclear.

NM_004260.4(RECQL4):c.334A>C (p.Asn112His)

Gene: RECQL4 (RecQ like helicase 4; minus strand). Cytogenetic location: 8q24.3.
Variant type: single nucleotide variant.
Coding change: c.334A>C on transcript NM_004260.4 (MANE Select); coding-DNA position 334, A replaced by C.
Protein change: p.Asn112His; replaces asparagine 112 with histidine.
Molecular consequence: missense variant.
Genome position (GRCh38, 1-based): chr8:144,517,070, T>G on the plus strand (A>C on the coding strand, the complement: RECQL4 is on the minus strand). VCF-style: chr8-144517070-T-G. GRCh37 (hg19) VCF-style: chr8-145742454-T-G.
Other names: short protein forms N112H.
Identifiers: ClinVar variation 963600 (VCV000963600.5), dbSNP rs1815223562, ClinGen allele CA372691947.